The following is an entry in ClinVar:

ClinVar aggregate classification (germline): Likely pathogenic (1 of 4 stars; one submission).

Conditions:
Methylmalonic aciduria due to methylmalonyl-CoA mutase deficiency (MAMM). Also called: Methylmalonic aciduria, mut type. Identifiers: Orphanet 27, MedGen C1855114, MONDO:0009612, OMIM 251000.

Submission:

3billion
Classification: Likely pathogenic for Methylmalonic aciduria due to methylmalonyl-CoA mutase deficiency. Last evaluated: 2024-07-29. Review status: criteria provided, single submitter. Criteria: ACMG Guidelines, 2015. Collection method: clinical testing. Allele origin: germline. Affected: yes.
Comment: The variant is not observed in the gnomAD v4.0.0 dataset. Predicted Consequence/Location: Canonical splice site: predicted to alter splicing and result in a loss or disruption of normal protein function. Multiple pathogenic loss-of-function variants are reported downstream of the variant. In silico tools predict the variant to alter splicing and produce an abnormal transcript [SpliceAI: 0.99 (spliceogenicity >=0.2, non-spliceogenicity <0.1)]. Therefore, this variant is classified as Likely pathogenic according to the recommendation of ACMG/AMP guideline.

NM_000255.4(MMUT):c.912-2A>G

Gene: MMUT (methylmalonyl-CoA mutase; minus strand). Cytogenetic location: 6p12.3.
Variant type: single nucleotide variant.
Coding change: c.912-2A>G on transcript NM_000255.4 (MANE Select); the canonical splice acceptor site of the intron before coding-DNA position 912, A replaced by G.
Molecular consequence: splice acceptor variant.
Genome position (GRCh38, 1-based): chr6:49,453,758, T>C on the plus strand (A>G on the coding strand, the complement: MMUT is on the minus strand). VCF-style: chr6-49453758-T-C. GRCh37 (hg19) VCF-style: chr6-49421471-T-C.
Identifiers: ClinVar variation 4293052 (VCV004293052.1).
Genomic context (GRCh38, chr6:49,453,758, plus strand): 5'-CTCTCATCTTTGCTATTTCCATATAGAAATTCATTCCAATTCCCCAGAAGAAAGACAACC[T>C]AAAATAGTAACGTTAGGTCCAGAATTTAATTAAAGTTAACAATATAGAGCAGAAAATAAA-3'